The following is an entry in ClinVar:

NM_000169.3(GLA):c.587G>C (p.Arg196Thr)

Genes: GLA (galactosidase alpha; minus strand), RPL36A-HNRNPH2 (RPL36A-HNRNPH2 readthrough; plus strand). Cytogenetic location: Xq22.1.
Variant type: single nucleotide variant.
Coding change: c.587G>C on transcript NM_000169.3 (MANE Select); coding-DNA position 587, G replaced by C.
Protein change: p.Arg196Thr; replaces arginine 196 with threonine.
Molecular consequence: missense variant. On other transcripts: non-coding transcript variant (2), intron variant (2).
Genome position (GRCh38, 1-based): chrX:101,400,718, C>G on the plus strand (G>C on the coding strand, the complement: GLA is on the minus strand). VCF-style: chrX-101400718-C-G. GRCh37 (hg19) VCF-style: chrX-100655706-C-G.
Other names: c.710G>C, p.Arg237Thr (NM_001406747.1); c.587G>C, p.Arg196Thr (NM_001406748.1); c.300+5261C>G (NM_001199973.2); c.177+8896C>G (NM_001199974.2); short protein forms R196T, R237T.
Identifiers: ClinVar variation 4087426 (VCV004087426.2).

ClinVar aggregate classification (germline): Uncertain significance (1 of 4 stars; one submission).

Conditions:
Fabry disease. Also called: ALPHA-GALACTOSIDASE A DEFICIENCY; ANDERSON-FABRY DISEASE; CERAMIDE TRIHEXOSIDASE DEFICIENCY; GLA DEFICIENCY; HEREDITARY DYSTOPIC LIPIDOSIS; Angiokeratoma corporis diffusum. Identifiers: Orphanet 324, MedGen C0002986, MONDO:0010526, OMIM 301500, HP:0001071. Disease mechanism: Fabry disease is due to inactivating mutations in the X-linked GLA gene resulting in deficiency of the enzyme Alpha Galactosidase-A., loss of function.

Submission:

Genomenon, Inc
Classification: Uncertain significance for Fabry disease. Last evaluated: 2026-09-08. Review status: criteria provided, single submitter. Criteria: Genomenon Sequence Variant Interpretation Standards - Updated. Collection method: curation. Allele origin: germline. Affected: yes.
Comment: GLA p.Arg196Thr (c.587G>C) is a missense variant that changes the amino acid at codon 196 from Arginine to Threonine. This variant has been observed in at least one proband with clinical features consistent with Fabry disease (PMID:27560961). Functional or patient cell studies have been reported (PMID:27560961). It is absent or not present at a significant frequency in gnomAD. In silico models predict that this variant is possibly or probably damaging. In conclusion, we classify GLA p.Arg196Thr (c.587G>C) as a variant of uncertain significance.

Literature cited by the submitters: PubMed 27560961.